The following is an entry in ClinVar:

ClinVar aggregate classification (germline): Uncertain significance. Review status: criteria provided, multiple submitters, no conflicts (2 of 4 stars). 2 submissions from 2 submitters: Uncertain significance (2). Last evaluated 2025-11-17.

Conditions:
FGA-related disorder. Also called: FGA-related condition; FGA-related disorders.

Submissions (2):

PreventionGenetics, part of Exact Sciences
Classification: Uncertain significance for FGA-related condition. Last evaluated: 2025-11-17. Review status: criteria provided, single submitter. Criteria: ACMG Guidelines, 2015. Collection method: clinical testing. Allele origin: germline.
Comment: The FGA c.1375C>T variant is predicted to result in the amino acid substitution p.Arg459Cys. To our knowledge, this variant has not been reported in the literature or in a large population database (gnomAD), indicating this variant is rare. At this time, the clinical significance of this variant is uncertain due to the absence of conclusive functional and genetic evidence.

Mayo Clinic Laboratories, Mayo Clinic
Classification: Uncertain significance. Last evaluated: 2025-10-09. Review status: criteria provided, single submitter. Criteria: ACMG Guidelines, 2015. Collection method: clinical testing. Allele origin: germline. Observed: 1 variant allele.
Comment: BP4_moderate, PM2_supporting

NM_021871.4(FGA):c.1375C>T (p.Arg459Cys)

Gene: FGA (fibrinogen alpha chain; minus strand). Cytogenetic location: 4q31.3.
Variant type: single nucleotide variant.
Coding change: c.1375C>T on transcript NM_021871.4 (MANE Select); coding-DNA position 1375, C replaced by T.
Protein change: p.Arg459Cys; replaces arginine 459 with cysteine.
Molecular consequence: missense variant.
Genome position (GRCh38, 1-based): chr4:154,586,054, G>A on the plus strand (C>T on the coding strand, the complement: FGA is on the minus strand). VCF-style: chr4-154586054-G-A. GRCh37 (hg19) VCF-style: chr4-155507206-G-A.
Other names: p.Arg459Cys; c.1375C>T, p.Arg459Cys (NM_000508.5); c.1375C>T (NM_000508.4); short protein forms R459C.
Identifiers: ClinVar variation 4541010 (VCV004541010.2).